The following is an entry in ClinVar:

ClinVar aggregate classification (germline): Uncertain significance. Review status: criteria provided, multiple submitters, no conflicts (2 of 4 stars). 7 submissions from 7 submitters: Uncertain significance (7). Last evaluated 2026-03-17.

Conditions:
SPTBN2-related disorder. Also called: SPTBN2-related condition.
Inborn genetic diseases. Identifiers: MedGen C0950123, MeSH D030342.

Allele frequency attached by ClinVar (database versions not stated): ExAC 0.00001; gnomAD exomes 0.00001 and 0.00002; TOPMed 0.00002.
gnomAD v4.1: 24 of 1,614,056 alleles (0.0015%); highest among the groups gnomAD compares: Admixed American, 0.005%; no homozygotes.

Submissions (7):

PreventionGenetics, part of Exact Sciences
Classification: Uncertain significance for SPTBN2-related condition. Last evaluated: 2026-03-17. Review status: criteria provided, single submitter. Criteria: ACMG Guidelines, 2015. Collection method: clinical testing. Allele origin: germline.
Comment: The SPTBN2 c.971C>T variant is predicted to result in the amino acid substitution p.Thr324Met. To our knowledge, this variant has not been reported in the literature. This variant is reported in 0.0062% of alleles in individuals of African descent in gnomAD. At this time, the clinical significance of this variant is uncertain due to the absence of conclusive functional and genetic evidence.

Ambry Genetics
Classification: Uncertain significance for Inborn genetic diseases. Last evaluated: 2025-08-11. Review status: criteria provided, single submitter. Criteria: Ambry Variant Classification Scheme 2023. Collection method: clinical testing. Allele origin: germline.

Women's Health and Genetics/Laboratory Corporation of America, LabCorp
Classification: Uncertain significance. Last evaluated: 2024-09-05. Review status: criteria provided, single submitter. Criteria: LabCorp Variant Classification Summary - May 2015. Collection method: clinical testing. Allele origin: germline.
Comment: Variant summary: SPTBN2 c.971C>T (p.Thr324Met) results in a non-conservative amino acid change in the encoded protein sequence. Three of five in-silico tools predict a damaging effect of the variant on protein function. The variant allele was found at a frequency of 2.4e-05 in 251182 control chromosomes. The available data on variant occurrences in the general population are insufficient to allow any conclusion about variant significance. To our knowledge, no occurrence of c.971C>T in individuals affected with Spinocerebellar Ataxia 5 and no experimental evidence demonstrating its impact on protein function have been reported. ClinVar contains an entry for this variant (Variation ID: 498889). Based on the evidence outlined above, the variant was classified as uncertain significance.

Revvity Omics, Revvity
Classification: Uncertain significance. Last evaluated: 2024-07-05. Review status: criteria provided, single submitter. Criteria: ACMG Guidelines, 2015. Collection method: clinical testing. Allele origin: germline.

Athena Diagnostics
Classification: Uncertain significance. Last evaluated: 2023-12-05. Review status: criteria provided, single submitter. Criteria: Athena Diagnostics Criteria. Collection method: clinical testing. Allele origin: unknown.
Comment: Available data are insufficient to determine the clinical significance of the variant at this time. The frequency of this variant in the general population is uninformative in assessment of its pathogenicity. Computational tools predict that this variant is not damaging.

GeneDx
Classification: Uncertain significance. Last evaluated: 2022-06-29. Review status: criteria provided, single submitter. Criteria: GeneDx Variant Classification Process June 2021. Collection method: clinical testing. Allele origin: germline. Affected: yes.
Comment: In silico analysis supports that this missense variant has a deleterious effect on protein structure/function; Has not been previously published as pathogenic or benign to our knowledge

Eurofins Ntd Llc (ga)
Classification: Uncertain significance. Last evaluated: 2016-12-16. Review status: criteria provided, single submitter. Criteria: EGL Classification Definitions 2015. Collection method: clinical testing. Allele origin: germline. Observed: 1 variant allele, 1 heterozygote.

NM_006946.4(SPTBN2):c.971C>T (p.Thr324Met)

Gene: SPTBN2 (spectrin beta, non-erythrocytic 2; minus strand). Cytogenetic location: 11q13.2.
Variant type: single nucleotide variant.
Coding change: c.971C>T on transcript NM_006946.4 (MANE Select); coding-DNA position 971, C replaced by T.
Protein change: p.Thr324Met; replaces threonine 324 with methionine.
Molecular consequence: missense variant.
Genome position (GRCh38, 1-based): chr11:66,710,684, G>A on the plus strand (C>T on the coding strand, the complement: SPTBN2 is on the minus strand). VCF-style: chr11-66710684-G-A. GRCh37 (hg19) VCF-style: chr11-66478155-G-A.
Other names: c.971C>T (NM_006946.3); short protein forms T324M.
Identifiers: ClinVar variation 498889 (VCV000498889.11), dbSNP rs766259767, ClinGen allele CA6129514.
Genomic context (GRCh38, chr11:66,710,684, plus strand): 5'-AGCTGGTTCTGGACCCCGCTAAGGGAGTTGGCCAACTGCCGGTCATTGAGGGTCACGATC[G>A]TTTGCTCGATCCACTGCAGCAGCTCCGAGGCCAGGGACTCGTATTTCTCCACCAGGCGCT-3'
Protein context (NP_008877.2, residues 314-334): ASELLQWIEQ[Thr324Met]IVTLNDRQLA